The following is an entry in ClinVar:

ClinVar aggregate classification (germline): Uncertain significance (1 of 4 stars; one submission).

Submission:

Labcorp Genetics (formerly Invitae), Labcorp
Classification: Uncertain significance. Last evaluated: 2022-06-26. Review status: criteria provided, single submitter. Criteria: Invitae Variant Classification Sherloc (09022015). Collection method: clinical testing. Allele origin: germline.
Comment: This sequence change replaces asparagine, which is neutral and polar, with histidine, which is basic and polar, at codon 3112 of the LRP2 protein (p.Asn3112His). This variant is not present in population databases (gnomAD no frequency). This variant has not been reported in the literature in individuals affected with LRP2-related conditions. Advanced modeling of protein sequence and biophysical properties (such as structural, functional, and spatial information, amino acid conservation, physicochemical variation, residue mobility, and thermodynamic stability) performed at Invitae indicates that this missense variant is expected to disrupt LRP2 protein function. In summary, the available evidence is currently insufficient to determine the role of this variant in disease. Therefore, it has been classified as a Variant of Uncertain Significance.

NM_004525.3(LRP2):c.9334A>C (p.Asn3112His)

Gene: LRP2 (LDL receptor related protein 2; minus strand). Cytogenetic location: 2q31.1.
Variant type: single nucleotide variant.
Coding change: c.9334A>C on transcript NM_004525.3 (MANE Select); coding-DNA position 9334, A replaced by C.
Protein change: p.Asn3112His; replaces asparagine 3112 with histidine.
Molecular consequence: missense variant.
Genome position (GRCh38, 1-based): chr2:169,186,014, T>G on the plus strand (A>C on the coding strand, the complement: LRP2 is on the minus strand). VCF-style: chr2-169186014-T-G. GRCh37 (hg19) VCF-style: chr2-170042524-T-G.
Other names: short protein forms N3112H.
Identifiers: ClinVar variation 2129969 (VCV002129969.1), dbSNP rs112414551, ClinGen allele CA349154949.